The following is an entry in ClinVar:

NM_001999.4(FBN2):c.1121G>A (p.Arg374His)

Gene: FBN2 (fibrillin 2; minus strand). Cytogenetic location: 5q23.3.
Variant type: single nucleotide variant.
Coding change: c.1121G>A on transcript NM_001999.4 (MANE Select); coding-DNA position 1121, G replaced by A.
Protein change: p.Arg374His; replaces arginine 374 with histidine.
Molecular consequence: missense variant.
Genome position (GRCh38, 1-based): chr5:128,395,232, C>T on the plus strand (G>A on the coding strand, the complement: FBN2 is on the minus strand). VCF-style: chr5-128395232-C-T. GRCh37 (hg19) VCF-style: chr5-127730925-C-T.
Other names: short protein forms R374H.
Identifiers: ClinVar variation 2636921 (VCV002636921.5), dbSNP rs750425112, ClinGen allele CA3395880.

ClinVar aggregate classification (germline): Conflicting classifications of pathogenicity. Review status: criteria provided, conflicting classifications (1 of 4 stars). 3 submissions from 3 submitters: Uncertain significance (2); Likely benign (1). Last evaluated 2024-04-17.

Conditions:
Congenital contractural arachnodactyly (CCA). Also called: BEALS SYNDROME; Beals-Hecht syndrome; Arthrogryposis, distal, type 9. Identifiers: Orphanet 115, MedGen C0220668, MONDO:0007363, OMIM 121050.
FBN2-related disorder. Also called: FBN2-related condition.
Familial thoracic aortic aneurysm and aortic dissection (TAAD). Also called: Thoracic aortic aneurysms and dissections. Identifiers: Orphanet 91387, MedGen C4707243, MONDO:0019625.

Allele frequency attached by ClinVar (database versions not stated): gnomAD 0.00001; gnomAD exomes 0.00001; ExAC 0.00002; TOPMed 0.00003.

Submissions (3):

Ambry Genetics
Classification: Uncertain significance for Familial thoracic aortic aneurysm and aortic dissection. Last evaluated: 2024-04-17. Review status: criteria provided, single submitter. Criteria: Ambry Variant Classification Scheme 2023. Collection method: clinical testing. Allele origin: germline.
Comment: The p.R374H variant (also known as c.1121G>A), located in coding exon 9 of the FBN2 gene, results from a G to A substitution at nucleotide position 1121. The arginine at codon 374 is replaced by histidine, an amino acid with highly similar properties. This amino acid position is highly conserved in available vertebrate species. In addition, the in silico prediction for this alteration is inconclusive. Based on the available evidence, the clinical significance of this variant remains unclear.

Labcorp Genetics (formerly Invitae), Labcorp
Classification: Likely benign for Congenital contractural arachnodactyly. Last evaluated: 2023-07-10. Review status: criteria provided, single submitter. Criteria: Invitae Variant Classification Sherloc (09022015). Collection method: clinical testing. Allele origin: germline.

PreventionGenetics, part of Exact Sciences
Classification: Uncertain significance for FBN2-related condition. Last evaluated: 2023-05-03. Review status: criteria provided, single submitter. Criteria: ACMG Guidelines, 2015. Collection method: clinical testing. Allele origin: germline.
Comment: The FBN2 c.1121G>A variant is predicted to result in the amino acid substitution p.Arg374His. To our knowledge, this variant has not been reported in the literature. This variant is reported in 0.0033% of alleles in individuals of South Asian descent in gnomAD. At this time, the clinical significance of this variant is uncertain due to the absence of conclusive functional and genetic evidence.